The following is an entry in ClinVar:

NM_000059.4(BRCA2):c.467A>G (p.Asp156Gly)

Gene: BRCA2 (BRCA2 DNA repair associated; plus strand). Cytogenetic location: 13q13.1.
Variant type: single nucleotide variant.
Coding change: c.467A>G on transcript NM_000059.4 (MANE Select); coding-DNA position 467, A replaced by G.
Protein change: p.Asp156Gly; replaces aspartic acid 156 with glycine.
Molecular consequence: missense variant.
Genome position (GRCh38, 1-based): chr13:32,326,142, A>G. VCF-style: chr13-32326142-A-G. GRCh37 (hg19) VCF-style: chr13-32900279-A-G.
Other names: p.D156G:GAT>GGT; NP_000050.3:p.Asp156Gly; short protein forms D156G.
Identifiers: ClinVar variation 51694 (VCV000051694.66), dbSNP rs68071147, ClinGen allele CA020632.
Genomic context (GRCh38, chr13:32,326,142, plus strand): 5'-TTGCTTTGTTTTATTTTAGTCCTGTTGTTCTACAATGTACACATGTAACACCACAAAGAG[A>G]TAAGTCAGGTATGATTAAAAACAATGCTTTTTATTCTTAGAATACTAGAAATGTTAATAA-3'
Protein context (NP_000050.3, residues 146-166): LQCTHVTPQR[Asp156Gly]KSVVCGSLFH

ClinVar aggregate classification (germline): Conflicting classifications of pathogenicity. Review status: criteria provided, conflicting classifications (1 of 4 stars). 22 submissions from 22 submitters: Uncertain significance (7); Benign (2); Likely benign (8). 5 of the submissions do not count toward it. Last evaluated 2026-09-01.

Conditions:
Hereditary cancer. Identifiers: MedGen C1333600.
Pancreatic cancer, susceptibility to, 2. Identifiers: Orphanet 1333, MedGen C3150546, MONDO:0013235, OMIM 613347.
Glioma susceptibility 3 (GLM3). Also called: Glioblastoma 3. Identifiers: Orphanet 182067, Orphanet 360, MedGen C2751641, MONDO:0013093, OMIM 613029.
Familial prostate cancer. Also called: Hereditary Prostate Cancer. Identifiers: MedGen C2931456, MONDO:0700275, OMIM 176807.
Breast-ovarian cancer, familial, susceptibility to, 2 (BROVCA2). Also called: BRCA2 Hereditary Breast and Ovarian Cancer. Identifiers: Orphanet 145, MedGen C2675520, MONDO:0012933, OMIM 612555. Disease mechanism: loss of function.
Fanconi anemia complementation group D1. Also called: BRCA2-Related Fanconi Anemia. Identifiers: Orphanet 319462, MedGen C1838457, MONDO:0011584, OMIM 605724.
Medulloblastoma (MDB). Also called: Medulloblastoma, somatic; MEDULLOBLASTOMA PREDISPOSITION SYNDROME. Identifiers: Orphanet 616, MedGen C0025149, MeSH D008527, MONDO:0007959, OMIM 155255, HP:0002885.
Wilms tumor 1 (WT1). Also called: Wilms tumor, somatic. Identifiers: Orphanet 654, MedGen CN033288, MONDO:0008679, OMIM 194070.
Familial cancer of breast. Also called: BREAST CANCER, FAMILIAL; hereditary breast carcinoma; Hereditary breast cancer. Identifiers: Orphanet 227535, MedGen C0346153, MONDO:0016419, OMIM 114480. Disease mechanism: loss of function.
BRCA2-related disorder. Also called: BRCA2-related condition; BRCA2-related disorders. Identifiers: MedGen CN239275.
Hereditary cancer-predisposing syndrome. Also called: Neoplastic Syndromes, Hereditary; Tumor predisposition; Hereditary Cancer Syndrome; Hereditary neoplastic syndrome. Identifiers: Orphanet 140162, MedGen C0027672, MeSH D009386, MONDO:0015356.
Hereditary breast ovarian cancer syndrome. Also called: Breast and ovarian cancer; Hereditary breast and ovarian cancer; Hereditary breast and ovarian cancer syndrome (HBOC); Hereditary breast and ovarian cancer syndrome; BRCA1- and BRCA2-Associated Hereditary Breast and Ovarian Cancer; Hereditary breast and/or ovarian cancer syndrome. Identifiers: Orphanet 145, MedGen C0677776, MeSH D061325, MONDO:0003582. Disease mechanism: loss of function.

Allele frequency attached by ClinVar (database versions not stated): gnomAD exomes 0.00007; ExAC 0.00009; TOPMed 0.00016; gnomAD 0.00022; 1000 Genomes Project 30x 0.00031; ESP Exome Variant Server 0.00031; 1000 Genomes Project 0.00040.
gnomAD v4.1: 59 of 1,609,358 alleles (0.0037%); highest among the groups gnomAD compares: African/African-American, 0.055%; no homozygotes.

Submissions 1 to 11 of 22:

CeGaT Center for Human Genetics Tuebingen
Classification: Likely benign. Last evaluated: 2026-09-01. Review status: criteria provided, single submitter. Criteria: CeGaT Center For Human Genetics Tuebingen Variant Classification Criteria Version 2. Collection method: clinical testing. Allele origin: germline. Affected: yes. Observed: 1 variant allele.
Comment: BRCA2: PP3, BS1

Labcorp Genetics (formerly Invitae), Labcorp
Classification: Likely benign for Hereditary breast ovarian cancer syndrome. Last evaluated: 2026-01-26. Review status: criteria provided, single submitter. Criteria: Invitae Variant Classification Sherloc (09022015). Collection method: clinical testing. Allele origin: germline.

Center for Genomic Medicine, Rigshospitalet, Copenhagen University Hospital
Classification: Benign. Last evaluated: 2025-12-29. Review status: criteria provided, single submitter. Criteria: ACMG Guidelines, 2015. Collection method: clinical testing. Allele origin: germline.
Comment: Classification criteria: BS1, BP5_Strong

PreventionGenetics, part of Exact Sciences
Classification: Likely benign for BRCA2-related condition. Last evaluated: 2025-10-22. Review status: criteria provided, single submitter. Criteria: ACMG Guidelines, 2015. Collection method: clinical testing. Allele origin: germline.
Comment: This variant is classified as likely benign based on ACMG/AMP sequence variant interpretation guidelines (Richards et al. 2015 PMID: 25741868, with internal and published modifications).

Women's Health and Genetics/Laboratory Corporation of America, LabCorp
Classification: Uncertain significance. Last evaluated: 2025-08-29. Review status: criteria provided, single submitter. Criteria: LabCorp Variant Classification Summary - May 2015. Collection method: clinical testing. Allele origin: germline.
Comment: Variant summary: BRCA2 c.467A>G (p.Asp156Gly) results in a non-conservative amino acid change in the encoded protein sequence. Algorithms developed to predict the effect of missense changes on protein structure and function are either unavailable or do not agree on the potential impact of this missense change. Several computational tools predict a significant impact on normal splicing: Four predict the variant creates a 5 donor site. However, these predictions have yet to be confirmed by functional studies. The variant allele was found at a frequency of 7.2e-05 in 251690 control chromosomes, predominantly at a frequency of 0.00056 within the African or African-American subpopulation in the gnomAD database. The available data on variant occurrences in the general population are insufficient to allow any conclusion about variant significance. c.467A>G has been observed in individual(s) with personal and/or family history of Hereditary Breast and Ovarian Cancer (Suter_2004, Borg_2010, Houdayer_2012), though it was also found in 2 women, older than age 70 years, who have never had cancer (in FLOSSIES database). These report(s) do not provide unequivocal conclusions about association of the variant with Hereditary Breast And Ovarian Cancer Syndrome. An in vitro study examining the effect of this variant at the protein level using an (intronless) cDNA construct, demonstrated that the Asp156Gly missense variant does not affect the HDR function of BRCA2 in a PARP-inhibitor sensitivity assay (Ikegami_2020). The following publications have been ascertained in the context of this evaluation (PMID: 31825140, 20104584, 21520273, 30883759, 22505045, 32444794, 20215541, 14973102). ClinVar contains an entry for this variant (Variation ID: 51694). Based on the evidence outlined above, the variant was classified as VUS-possibly benign.

Quest Diagnostics Nichols Institute San Juan Capistrano
Classification: Uncertain significance. Last evaluated: 2025-04-02. Review status: criteria provided, single submitter. Criteria: Quest Diagnostics criteria. Collection method: clinical testing. Allele origin: unknown.
Comment: The BRCA2 c.467A>G (p.Asp156Gly) variant has been reported in the published literature in individuals with breast cancer or at high risk for breast and/or ovarian cancer (PMIDs: 14973102 (2004), 20104584 (2010), 26941049 (2016), 33471991 (2021), 39041507 (2024), see also LOVD) and prostate cancer (PMID: 36898365 (2023)). Experimental studies suggest that this variant may generate a cryptic splice donor site, resulting in an in-frame deletion of three amino acids (PMIDs: 22505045 (2012), 20215541 (2010), 30233647 (2018), and 30883759 (2019)). An additional functional study determined this variant results in normal function when cells are treated with PARP inhibitors; however, the effect of this variant on the full spectrum of BRCA2 protein function was not investigated (PMID: 32444794 (2020)). The frequency of this variant in the general population (Genome Aggregation Database) is higher than would generally be expected for pathogenic variants in this gene. Analysis of this variant using bioinformatics tools for the prediction of the effect of amino acid changes on protein structure and function yielded conflicting predictions that this variant is deleterious or benign. Additional analysis using software algorithms for the prediction of the effect of nucleotide changes on BRCA2 mRNA splicing yielded predictions that this variant may result in the gain of a cryptic splice site without affecting the natural splice sites. Based on the available information, we are unable to determine the clinical significance of this variant.

Mendelics
Classification: Likely benign for Hereditary cancer. Last evaluated: 2025-02-27. Review status: criteria provided, single submitter. Criteria: ACMG Guidelines, 2015. Collection method: clinical testing. Allele origin: unknown.
Comment: This variant is considered likely benign or benign based on one or more of the following: it is predicted to be benign by multiple in silico algorithms, and/or has population frequency not consistent with disease, and/or has normal protein function, and/or has lack of segregation with disease, and/or has been detected in co-occurrence with known pathogenic variant, and/or has lack of disease association in case-control studies, and/or is located in a region inconsistent with a known cause of pathogenicity.

Fulgent Genetics
Classification: Likely benign for Familial cancer of breast; Medulloblastoma; Familial prostate cancer; Wilms tumor 1; Fanconi anemia complementation group D1; Breast-ovarian cancer, familial, susceptibility to, 2; Glioma susceptibility 3; Pancreatic cancer, susceptibility to, 2. Last evaluated: 2024-01-19. Review status: criteria provided, single submitter. Criteria: ACMG Guidelines, 2015. Collection method: clinical testing. Allele origin: germline.

Color Diagnostics, LLC DBA Color Health
Classification: Likely benign for Hereditary cancer-predisposing syndrome. Last evaluated: 2022-08-01. Review status: criteria provided, single submitter. Criteria: ACMG Guidelines, 2015. Collection method: clinical testing. Allele origin: germline.

National Health Laboratory Service, Universitas Academic Hospital and University of the Free State
Classification: Benign for Hereditary breast ovarian cancer syndrome. Last evaluated: 2022-04-19. Review status: criteria provided, single submitter. Criteria: ACMG Guidelines, 2015. Collection method: clinical testing. Allele origin: germline. Affected: yes. Observed: 18 variant alleles.

GeneDx
Classification: Likely benign. Last evaluated: 2020-08-31. Review status: criteria provided, single submitter. Criteria: GeneDx Variant Classification Process June 2021. Collection method: clinical testing. Allele origin: germline. Affected: yes.
Comment: This variant is associated with the following publications: (PMID: 21520273, 22505045, 20215541, 20104584, 14973102, 23893897, 20167696, 26941049, 16683254, 23348723, 30883759, 31131967, 31825140)